The following is an entry in ClinVar:

ClinVar aggregate classification (germline): Pathogenic (1 of 4 stars; one submission).

Conditions:
Thoracic aortic disease.

Submission:

Centro de Tecnologia Celular, Instituto Nacional de Cardiologia
Classification: Pathogenic for Thoracic aortic disease. Last evaluated: 2022-04-27. Review status: criteria provided, single submitter. Criteria: ACMG Guidelines, 2015. Collection method: clinical testing. Allele origin: de novo. Inheritance: Autosomal dominant inheritance. Affected: yes. Observed: 1 heterozygote.
Comment: The alteration c.6055G>T in exon 50 of FBN1 generates a premature stop codon in place of glutamic acid-2019 (p.Glu2019Ter), causing early interruption of mRNA translation, and producing a truncated protein. This variant is absent from large population studies, and, to our knowledge, it was not described in any publication. In sumary, the p.Glu2019Ter meets the ACMG/AMP criteria (PVS1, PM2, PM6, PP3 and PP4) to be classified as pathogenic.

NM_000138.5(FBN1):c.6055G>T (p.Glu2019Ter)

Gene: FBN1 (fibrillin 1; minus strand). Cytogenetic location: 15q21.1.
Variant type: single nucleotide variant.
Coding change: c.6055G>T on transcript NM_000138.5 (MANE Select); coding-DNA position 6055, G replaced by T.
Protein change: p.Glu2019Ter; replaces glutamic acid 2019 with a stop codon.
Molecular consequence: nonsense.
Genome position (GRCh38, 1-based): chr15:48,441,829, C>A on the plus strand (G>T on the coding strand, the complement: FBN1 is on the minus strand). VCF-style: chr15-48441829-C-A. GRCh37 (hg19) VCF-style: chr15-48734026-C-A.
Other names: p.Glu2019Ter; short protein forms E2019*.
Identifiers: ClinVar variation 1679424 (VCV001679424.3), dbSNP rs377149130, ClinGen allele CA392338567.
Genomic context (GRCh38, chr15:48,441,829, plus strand): 5'-GACATTTGAAGCTGCCTTCAGTGTTACTGCATGTGCCCAGGGCACAAATTTCTGGCTCTT[C>A]GACACACTCATCAATATCTAAAAGAATCACATGAGTCAAACAAAGTCAAAACACGATGGA-3'